The following is an entry in ClinVar:

ClinVar aggregate classification (germline): Likely benign. Review status: criteria provided, multiple submitters, no conflicts (2 of 4 stars). 3 submissions from 3 submitters: Likely benign (3). Last evaluated 2025-10-14.

Conditions:
Aortic aneurysm, familial thoracic 7 (AAT7). Also called: AORTIC DISSECTION, FAMILIAL, WITH OR WITHOUT AORTIC ANEURYSM. Identifiers: MedGen C3151077, MONDO:0013418, OMIM 613780.

Allele frequency attached by ClinVar (database versions not stated): TOPMed below 0.00001; ExAC 0.00001; gnomAD 0.00001; gnomAD exomes 0.00001; ESP Exome Variant Server 0.00008.
gnomAD v4.1: 14 of 1,613,370 alleles (0.00087%); highest among the groups gnomAD compares: Non-Finnish European, 0.0012%; no homozygotes.

Submissions (3):

Labcorp Genetics (formerly Invitae), Labcorp
Classification: Likely benign for Aortic aneurysm, familial thoracic 7. Last evaluated: 2025-10-14. Review status: criteria provided, single submitter. Criteria: Invitae Variant Classification Sherloc (09022015). Collection method: clinical testing. Allele origin: germline.

Blueprint Genetics
Classification: Likely benign. Last evaluated: 2021-03-15. Review status: criteria provided, single submitter. Criteria: ACMG Guidelines, 2015. Collection method: clinical testing. Allele origin: germline.

GeneDx
Classification: Likely benign. Last evaluated: 2017-08-15. Review status: criteria provided, single submitter. Criteria: GeneDx Variant Classification (06012015). Collection method: clinical testing. Allele origin: germline. Affected: yes.
Comment: This variant is considered likely benign or benign based on one or more of the following criteria: it is a conservative change, it occurs at a poorly conserved position in the protein, it is predicted to be benign by multiple in silico algorithms, and/or has population frequency not consistent with disease.

NM_053025.4(MYLK):c.2462+19T>C

Gene: MYLK (myosin light chain kinase; minus strand). Cytogenetic location: 3q21.1.
Variant type: single nucleotide variant.
Coding change: c.2462+19T>C on transcript NM_053025.4 (MANE Select); 19 bases into the intron after coding-DNA position 2462, T replaced by C.
Molecular consequence: intron variant.
Genome position (GRCh38, 1-based): chr3:123,701,419, A>G on the plus strand (T>C on the coding strand, the complement: MYLK is on the minus strand). VCF-style: chr3-123701419-A-G. GRCh37 (hg19) VCF-style: chr3-123420266-A-G.
Other names: c.1934+19T>C (NM_001321309.2); c.2255+19T>C (NM_053028.4, NM_053026.4); c.2462+19T>C (NM_053027.4).
Identifiers: ClinVar variation 511463 (VCV000511463.6), dbSNP rs372813937, ClinGen allele CA068578.